The following is an entry in ClinVar:

ClinVar aggregate classification (germline): Uncertain significance (1 of 4 stars; one submission).

Conditions:
Cardiovascular phenotype. Identifiers: MedGen CN230736.

gnomAD v4.1: 2 of 1,526,304 alleles (0.00013%); highest among the groups gnomAD compares: Non-Finnish European, 0.00018%; no homozygotes.

Submission:

Ambry Genetics
Classification: Uncertain significance for Cardiovascular phenotype. Last evaluated: 2021-07-30. Review status: criteria provided, single submitter. Criteria: Ambry Variant Classification Scheme 2023. Collection method: clinical testing. Allele origin: germline.
Comment: The p.A31T variant (also known as c.91G>A), located in coding exon 1 of the BRAF gene, results from a G to A substitution at nucleotide position 91. The alanine at codon 31 is replaced by threonine, an amino acid with similar properties. This amino acid position is conserved. In addition, this alteration is predicted to be tolerated by in silico analysis. Since supporting evidence is limited at this time, the clinical significance of this alteration remains unclear.

NM_004333.6(BRAF):c.91G>A (p.Ala31Thr)

Gene: BRAF (B-Raf proto-oncogene, serine/threonine kinase; minus strand). Cytogenetic location: 7q34.
Variant type: single nucleotide variant.
Coding change: c.91G>A on transcript NM_004333.6 (MANE Select); coding-DNA position 91, G replaced by A.
Protein change: p.Ala31Thr; replaces alanine 31 with threonine.
Molecular consequence: missense variant.
Genome position (GRCh38, 1-based): chr7:140,924,613, C>T on the plus strand (G>A on the coding strand, the complement: BRAF is on the minus strand). VCF-style: chr7-140924613-C-T. GRCh37 (hg19) VCF-style: chr7-140624413-C-T.
Other names: c.91G>A, p.Ala31Thr (NM_001354609.2, NM_001374244.1, NM_001374258.1 and 7 more transcripts); short protein forms A31T.
Identifiers: ClinVar variation 1766170 (VCV001766170.2), dbSNP rs2129153255, ClinGen allele CA369590117.
Genomic context (GRCh38, chr7:140,924,613, plus strand): 5'-CGCCAGCACTCACCTCCTCCGGAATGGCAGGGTCCGCAGCCGAAGAGGCCGCGGCGCCGG[C>T]GCCGGCGCCGGCCTCGGGCTCCATGTCCCCGTTGAACAGAGCCTGGCCCGGCTCCGCGCC-3'
Protein context (NP_004324.2, residues 21-41): GDMEPEAGAG[Ala31Thr]GAAASSAADP